The following is an entry in ClinVar:

NM_000303.3(PMM2):c.347+3G>A

Gene: PMM2 (phosphomannomutase 2; plus strand). Cytogenetic location: 16p13.2.
Variant type: single nucleotide variant.
Coding change: c.347+3G>A on transcript NM_000303.3 (MANE Select); 3 bases into the intron after coding-DNA position 347, G replaced by A.
Molecular consequence: intron variant.
Genome position (GRCh38, 1-based): chr16:8,806,410, G>A. VCF-style: chr16-8806410-G-A. GRCh37 (hg19) VCF-style: chr16-8900267-G-A.
Other names: c.347+3G>A (NM_000303.2).
Identifiers: ClinVar variation 2073150 (VCV002073150.3), dbSNP rs1307190161, ClinGen allele CA620729351.
Genomic context (GRCh38, chr16:8,806,410, plus strand): 5'-AAGATTTAATCAACTACTGTCTGAGCTACATTGCGAAAATTAAACTCCCGAAGAAGAGGT[G>A]GGTTTGCTTTTAACAAAGAGGCGTCACAGGAACATAGCGTAGTGTCACATGGTGGGCTAA-3'

ClinVar aggregate classification (germline): Uncertain significance. Review status: criteria provided, single submitter (1 of 4 stars). 2 submissions from 2 submitters: Uncertain significance (1). 1 of the submissions does not count toward it. Last evaluated 2022-04-19.

Conditions:
PMM2-congenital disorder of glycosylation. Also called: CARBOHYDRATE-DEFICIENT GLYCOPROTEIN SYNDROME, TYPE Ia; CDG Ia; JAEKEN SYNDROME; PHOSPHOMANNOMUTASE 2 DEFICIENCY; PMM2-CDG; Congenital disorder of glycosylation, type Ia. Identifiers: Orphanet 79318, MedGen C0349653, MONDO:0008907, OMIM 212065.
PMM2-related disorder. Also called: PMM2-related condition.

Allele frequency attached by ClinVar (database versions not stated): TOPMed below 0.00001; gnomAD exomes 0.00001.
gnomAD v4.1: 16 of 1,604,414 alleles (0.001%); highest among the groups gnomAD compares: Non-Finnish European, 0.0013%; no homozygotes.

Submissions (2):

Labcorp Genetics (formerly Invitae), Labcorp
Classification: Uncertain significance for PMM2-congenital disorder of glycosylation. Last evaluated: 2022-04-19. Review status: criteria provided, single submitter. Criteria: Invitae Variant Classification Sherloc (09022015). Collection method: clinical testing. Allele origin: germline.
Comment: This sequence change falls in intron 4 of the PMM2 gene. It does not directly change the encoded amino acid sequence of the PMM2 protein. It affects a nucleotide within the consensus splice site. This variant is present in population databases (no rsID available, gnomAD 0.002%). This variant has not been reported in the literature in individuals affected with PMM2-related conditions. Variants that disrupt the consensus splice site are a relatively common cause of aberrant splicing (PMID: 17576681, 9536098). Algorithms developed to predict the effect of sequence changes on RNA splicing suggest that this variant is not likely to affect RNA splicing. In summary, the available evidence is currently insufficient to determine the role of this variant in disease. Therefore, it has been classified as a Variant of Uncertain Significance.

PreventionGenetics, part of Exact Sciences
Classification: Likely benign for PMM2-related condition. Last evaluated: 2022-04-25. Review status: no assertion criteria provided. Collection method: clinical testing. Allele origin: germline. Not counted in ClinVar's aggregate classification.
Comment: This variant is classified as likely benign based on ACMG/AMP sequence variant interpretation guidelines (Richards et al. 2015 PMID: 25741868, with internal and published modifications).

Literature cited by the submitters: PubMed 17576681 (cited by Labcorp Genetics (formerly Invitae), Labcorp); PubMed 9536098 (cited by Labcorp Genetics (formerly Invitae), Labcorp).